The following is an entry in ClinVar:

NM_001163435.3(TBCK):c.721-2A>G

Gene: TBCK (TBC1 domain containing kinase; minus strand). Cytogenetic location: 4q24.
Variant type: single nucleotide variant.
Coding change: c.721-2A>G on transcript NM_001163435.3 (MANE Select); the canonical splice acceptor site of the intron before coding-DNA position 721, A replaced by G.
Molecular consequence: splice acceptor variant.
Genome position (GRCh38, 1-based): chr4:106,248,308, T>C on the plus strand (A>G on the coding strand, the complement: TBCK is on the minus strand). VCF-style: chr4-106248308-T-C. GRCh37 (hg19) VCF-style: chr4-107169465-T-C.
Other names: c.721-2A>G (NM_001163436.4); c.532-2A>G (NM_033115.5); c.604-2A>G (NM_001163437.3); c.205-2A>G (NM_001290768.2).
Identifiers: ClinVar variation 3608685 (VCV003608685.2).
Genomic context (GRCh38, chr4:106,248,308, plus strand): 5'-TTAGAAGGATGGAAGGTAAGGCACTTATTCAAAAGATCTATCACAGTTTCAGGAAGCTCC[T>C]GGTAAATAAAGAGAGAAAATAATTAATTAAAATGATCAATTTTAGAAATATACTTTATTC-3'

ClinVar aggregate classification (germline): Likely pathogenic (1 of 4 stars; one submission).

Submission:

Labcorp Genetics (formerly Invitae), Labcorp
Classification: Likely pathogenic. Last evaluated: 2024-05-18. Review status: criteria provided, single submitter. Criteria: Invitae Variant Classification Sherloc (09022015). Collection method: clinical testing. Allele origin: germline.
Comment: This sequence change affects an acceptor splice site in intron 8 of the TBCK gene. It is expected to disrupt RNA splicing. Variants that disrupt the donor or acceptor splice site typically lead to a loss of protein function (PMID: 16199547), and loss-of-function variants in TBCK are known to be pathogenic (PMID: 27040692, 30103036). This variant is not present in population databases (gnomAD no frequency). This variant has not been reported in the literature in individuals affected with TBCK-related conditions. Algorithms developed to predict the effect of sequence changes on RNA splicing suggest that this variant may disrupt the consensus splice site. In summary, the currently available evidence indicates that the variant is pathogenic, but additional data are needed to prove that conclusively. Therefore, this variant has been classified as Likely Pathogenic.

Literature cited by the submitters: PubMed 16199547; PubMed 27040692; PubMed 30103036.